The following is an entry in ClinVar:

ClinVar aggregate classification (germline): Benign (1 of 4 stars; one submission).

Conditions:
Myostatin-related muscle hypertrophy (MSLHP). Also called: MUSCLE HYPERTROPHY. Identifiers: Orphanet 275534, MedGen C2931112, MONDO:0013598, OMIM 614160.

Allele frequency attached by ClinVar (database versions not stated): gnomAD exomes 0.00286; gnomAD 0.02272 and 0.02432; TOPMed 0.03306; 1000 Genomes Project 0.05451; 1000 Genomes Project 30x 0.05465.
gnomAD v4.1: 3,681 of 152,600 alleles (2.4%); highest among the groups gnomAD compares: East Asian, 17%; 155 homozygotes.

Submission:

Illumina Laboratory Services, Illumina
Classification: Benign for Myostatin-related muscle hypertrophy. Last evaluated: 2018-01-13. Review status: criteria provided, single submitter. Criteria: ICSL Variant Classification Criteria 13 December 2019. Collection method: clinical testing. Allele origin: germline.
Comment: This variant was observed in the ICSL laboratory as part of a predisposition screen in an ostensibly healthy population. It had not been previously curated by ICSL or reported in the Human Gene Mutation Database (HGMD: prior to June 1st, 2018), and was therefore a candidate for classification through an automated scoring system. Utilizing variant allele frequency, disease prevalence and penetrance estimates, and inheritance mode, an automated score was calculated to assess if this variant is too frequent to cause the disease. Based on the score and internal cut-off values, a variant classified as benign is not then subjected to further curation. The score for this variant resulted in a classification of benign for this disease.

NM_005259.3(MSTN):c.*1332A>G

Genes: C2orf88 (chromosome 2 open reading frame 88; plus strand), MSTN (myostatin; minus strand). Cytogenetic location: 2q32.2.
Variant type: single nucleotide variant.
Coding change: c.*1332A>G on transcript NM_005259.3 (MANE Select); 1332 bases downstream of the stop codon, A replaced by G.
Molecular consequence: 3 prime UTR variant.
Genome position (GRCh38, 1-based): chr2:190,055,926, T>C on the plus strand (A>G on the coding strand, the complement: MSTN is on the minus strand). VCF-style: chr2-190055926-T-C. GRCh37 (hg19) VCF-style: chr2-190920652-T-C.
Other names: c.*1332A>G (LRG_200t1).
Identifiers: ClinVar variation 333218 (VCV000333218.5), dbSNP rs3791782, ClinGen allele CA10611849.